The following is an entry in ClinVar:

ClinVar aggregate classification (germline): Uncertain significance (1 of 4 stars; one submission).

Conditions:
Hypertrophic cardiomyopathy. Also called: HYPERTROPHIC MYOCARDIOPATHY. Identifiers: Orphanet 217569, MedGen C0007194, MeSH D002312, MONDO:0005045, HP:0001639.

Submission:

Labcorp Genetics (formerly Invitae), Labcorp
Classification: Uncertain significance for Hypertrophic cardiomyopathy. Last evaluated: 2024-12-12. Review status: criteria provided, single submitter. Criteria: Invitae Variant Classification Sherloc (09022015). Collection method: clinical testing. Allele origin: germline.
Comment: This sequence change replaces isoleucine, which is neutral and non-polar, with phenylalanine, which is neutral and non-polar, at codon 178 of the MYOM1 protein (p.Ile178Phe). This variant is not present in population databases (gnomAD no frequency). This variant has not been reported in the literature in individuals affected with MYOM1-related conditions. An algorithm developed to predict the effect of missense changes on protein structure and function (PolyPhen-2) suggests that this variant is likely to be tolerated. In summary, the available evidence is currently insufficient to determine the role of this variant in disease. Therefore, it has been classified as a Variant of Uncertain Significance.

NM_003803.4(MYOM1):c.532A>T (p.Ile178Phe)

Gene: MYOM1 (myomesin 1; minus strand). Cytogenetic location: 18p11.31.
Variant type: single nucleotide variant.
Coding change: c.532A>T on transcript NM_003803.4 (MANE Select); coding-DNA position 532, A replaced by T.
Protein change: p.Ile178Phe; replaces isoleucine 178 with phenylalanine.
Molecular consequence: missense variant.
Genome position (GRCh38, 1-based): chr18:3,188,987, T>A on the plus strand (A>T on the coding strand, the complement: MYOM1 is on the minus strand). VCF-style: chr18-3188987-T-A. GRCh37 (hg19) VCF-style: chr18-3188985-T-A.
Other names: c.532A>T, p.Ile178Phe (NM_019856.2); short protein forms I178F.
Identifiers: ClinVar variation 3727073 (VCV003727073.2).